The following is an entry in ClinVar:

ClinVar aggregate classification (germline): Pathogenic/Likely pathogenic. Review status: criteria provided, multiple submitters, no conflicts (2 of 4 stars). 3 submissions from 3 submitters: Pathogenic (2); Likely pathogenic (1). Last evaluated 2026-07-27.

Conditions:
NBAS-related disorder. Also called: NBAS-related condition.

gnomAD v4.1: 5 of 1,614,116 alleles (0.00031%); highest among the groups gnomAD compares: Middle Eastern, 0.016%; no homozygotes.

Submissions (3):

PreventionGenetics, part of Exact Sciences
Classification: Likely pathogenic for NBAS-related condition. Last evaluated: 2026-07-27. Review status: criteria provided, single submitter. Criteria: ACMG Guidelines, 2015. Collection method: clinical testing. Allele origin: germline.
Comment: The NBAS c.4843C>T variant is predicted to result in premature protein termination (p.Arg1615*). This variant has been reported in an individual with NBAS-associated disease (Table S1, Peters et al. 2025. PubMed ID: 40433928). This variant has not been reported in a large population database (gnomAD), indicating this variant is rare. Nonsense variants in NBAS are expected to be pathogenic. This variant is interpreted as likely pathogenic.

Labcorp Genetics (formerly Invitae), Labcorp
Classification: Pathogenic. Last evaluated: 2022-09-17. Review status: criteria provided, single submitter. Criteria: Invitae Variant Classification Sherloc (09022015). Collection method: clinical testing. Allele origin: germline.
Comment: For these reasons, this variant has been classified as Pathogenic. This sequence change creates a premature translational stop signal (p.Arg1615*) in the NBAS gene. It is expected to result in an absent or disrupted protein product. Loss-of-function variants in NBAS are known to be pathogenic (PMID: 26073778, 26541327, 27789416, 28031453). This variant is not present in population databases (gnomAD no frequency). This variant has not been reported in the literature in individuals affected with NBAS-related conditions. ClinVar contains an entry for this variant (Variation ID: 1013179).

CeGaT Center for Human Genetics Tuebingen
Classification: Pathogenic. Last evaluated: 2020-09-01. Review status: criteria provided, single submitter. Criteria: CeGaT Center For Human Genetics Tuebingen Variant Classification Criteria Version 2. Collection method: clinical testing. Allele origin: germline. Affected: yes. Observed: 1 variant allele.

Literature cited by the submitters: PubMed 26073778 (cited by Labcorp Genetics (formerly Invitae), Labcorp); PubMed 26541327 (cited by Labcorp Genetics (formerly Invitae), Labcorp); PubMed 27789416 (cited by Labcorp Genetics (formerly Invitae), Labcorp); PubMed 28031453 (cited by Labcorp Genetics (formerly Invitae), Labcorp).

NM_015909.4(NBAS):c.4843C>T (p.Arg1615Ter)

Gene: NBAS (NBAS subunit of NRZ tethering complex; minus strand). Cytogenetic location: 2p24.3.
Variant type: single nucleotide variant.
Coding change: c.4843C>T on transcript NM_015909.4 (MANE Select); coding-DNA position 4843, C replaced by T.
Protein change: p.Arg1615Ter; replaces arginine 1615 with a stop codon.
Molecular consequence: nonsense. On other transcripts: non-coding transcript variant (1).
Genome position (GRCh38, 1-based): chr2:15,292,721, G>A on the plus strand (C>T on the coding strand, the complement: NBAS is on the minus strand). VCF-style: chr2-15292721-G-A. GRCh37 (hg19) VCF-style: chr2-15432845-G-A.
Other names: c.4843C>T (NM_015909.3); short protein forms R1615*.
Identifiers: ClinVar variation 1013179 (VCV001013179.43), dbSNP rs1222594800, ClinGen allele CA345890155.